The following is an entry in ClinVar:

ClinVar aggregate classification (germline): Uncertain significance (1 of 4 stars; one submission).

Conditions:
Familial Mediterranean fever (FMF). Also called: POLYSEROSITIS, FAMILIAL PAROXYSMAL; POLYSEROSITIS, RECURRENT; Periodic peritonitis; Benign paroxysmal peritonitis. Identifiers: Orphanet 342, MedGen C0031069, MONDO:0018088, OMIM 249100. Disease mechanism: gain of function.

Submission:

Labcorp Genetics (formerly Invitae), Labcorp
Classification: Uncertain significance for Familial Mediterranean fever. Last evaluated: 2025-10-26. Review status: criteria provided, single submitter. Criteria: Invitae Variant Classification Sherloc (09022015). Collection method: clinical testing. Allele origin: germline.
Comment: This sequence change creates a premature translational stop signal (p.Leu169Argfs*74) in the MEFV gene. It is expected to result in an absent or disrupted protein product. However, the current clinical and genetic evidence is not sufficient to establish whether loss-of-function variants in MEFV cause disease. This variant is not present in population databases (gnomAD no frequency). This variant has not been reported in the literature in individuals affected with MEFV-related conditions. In summary, the available evidence is currently insufficient to determine the role of this variant in disease. Therefore, it has been classified as a Variant of Uncertain Significance.

NM_000243.3(MEFV):c.502_505dup (p.Leu169fs)

Gene: MEFV (MEFV innate immunity regulator, pyrin; minus strand). Cytogenetic location: 16p13.3.
Variant type: Duplication.
Coding change: c.502_505dup on transcript NM_000243.3 (MANE Select); coding-DNA positions 502 to 505, 4 bases duplicated (GGCC; older notation c.502_505dupGGCC).
Protein change: p.Leu169fs; shifts the reading frame from leucine 169.
Molecular consequence: frameshift variant. On other transcripts: intron variant (1).
Genome position (GRCh38, 1-based): chr16:3,254,563-3,254,566, GGCC duplicated on the plus strand (GGCC on the coding strand, the reverse complement: MEFV is on the minus strand). VCF-style (leftmost placement, unchanged base first): chr16-3254562-A-AGGCC. GRCh37 (hg19) VCF-style: chr16-3304562-A-AGGCC.
Other names: c.277+1745_277+1748dup (NM_001198536.2); short protein forms L169fs.
Identifiers: ClinVar variation 4717661 (VCV004717661.1).